The following is an entry in ClinVar:

NM_000143.4(FH):c.52C>T (p.Pro18Ser)

Gene: FH (fumarate hydratase; minus strand). Cytogenetic location: 1q43.
Variant type: single nucleotide variant.
Coding change: c.52C>T on transcript NM_000143.4 (MANE Select); coding-DNA position 52, C replaced by T.
Protein change: p.Pro18Ser; replaces proline 18 with serine.
Molecular consequence: missense variant.
Genome position (GRCh38, 1-based): chr1:241,519,671, G>A on the plus strand (C>T on the coding strand, the complement: FH is on the minus strand). VCF-style: chr1-241519671-G-A. GRCh37 (hg19) VCF-style: chr1-241682971-G-A.
Other names: short protein forms P18S.
Identifiers: ClinVar variation 3343365 (VCV003343365.2).

ClinVar aggregate classification (germline): Uncertain significance. Review status: criteria provided, multiple submitters, no conflicts (2 of 4 stars). 2 submissions from 2 submitters: Uncertain significance (2). Last evaluated 2025-07-09.

Conditions:
Hereditary cancer-predisposing syndrome. Also called: Tumor predisposition; Hereditary Cancer Syndrome; Hereditary neoplastic syndrome; Neoplastic Syndromes, Hereditary. Identifiers: Orphanet 140162, MedGen C0027672, MeSH D009386, MONDO:0015356.

gnomAD v4.1: 1 of 1,547,704 alleles (0.000065%); highest among the groups gnomAD compares: African/African-American, 0.0014%; no homozygotes.

Submissions (2):

Ambry Genetics
Classification: Uncertain significance for Hereditary cancer-predisposing syndrome. Last evaluated: 2025-07-09. Review status: criteria provided, single submitter. Criteria: Ambry Variant Classification Scheme 2023. Collection method: clinical testing. Allele origin: germline.
Comment: The p.P18S variant (also known as c.52C>T), located in coding exon 1 of the FH gene, results from a C to T substitution at nucleotide position 52. The proline at codon 18 is replaced by serine, an amino acid with similar properties. This amino acid position is not well conserved in available vertebrate species. In addition, the in silico prediction for this alteration is inconclusive. Based on the available evidence, the clinical significance of this variant remains unclear.

GeneDx
Classification: Uncertain significance. Last evaluated: 2023-05-05. Review status: criteria provided, single submitter. Criteria: GeneDx Variant Classification Process June 2021. Collection method: clinical testing. Allele origin: germline. Affected: yes.
Comment: Not observed at significant frequency in large population cohorts (gnomAD); In silico analysis supports that this missense variant does not alter protein structure/function; Has not been previously published as pathogenic or benign to our knowledge